The following is an entry in ClinVar:

ClinVar aggregate classification (germline): Uncertain significance (1 of 4 stars; one submission).

Conditions:
Neuroblastoma, susceptibility to, 3. Also called: ALK-Related Neuroblastic Tumor Susceptibility. Identifiers: Orphanet 635, MedGen C2751681, MONDO:0013083, OMIM 613014.

Submission:

Labcorp Genetics (formerly Invitae), Labcorp
Classification: Uncertain significance for Neuroblastoma, susceptibility to, 3. Last evaluated: 2024-08-22. Review status: criteria provided, single submitter. Criteria: Invitae Variant Classification Sherloc (09022015). Collection method: clinical testing. Allele origin: germline.
Comment: This sequence change creates a premature translational stop signal (p.Lys1518Argfs*5) in the ALK gene. While this is not anticipated to result in nonsense mediated decay, it is expected to disrupt the last 103 amino acid(s) of the ALK protein. This variant is not present in population databases (gnomAD no frequency). This variant has not been reported in the literature in individuals affected with ALK-related conditions. ClinVar contains an entry for this variant (Variation ID: 1420590). Experimental studies and prediction algorithms are not available or were not evaluated, and the functional significance of this variant is currently unknown. In summary, the available evidence is currently insufficient to determine the role of this variant in disease. Therefore, it has been classified as a Variant of Uncertain Significance.

NM_004304.5(ALK):c.4553del (p.Lys1518fs)

Gene: ALK (ALK receptor tyrosine kinase; minus strand). Cytogenetic location: 2p23.2.
Variant type: Deletion.
Coding change: c.4553del on transcript NM_004304.5 (MANE Select); coding-DNA position 4553, one base deleted (A; older notation c.4553delA).
Protein change: p.Lys1518fs; shifts the reading frame from lysine 1518.
Molecular consequence: frameshift variant.
Genome position (GRCh38, 1-based): chr2:29,193,534, T deleted on the plus strand (A on the coding strand, the reverse complement: ALK is on the minus strand); the first of 5 consecutive T bases (chr2:29,193,534-29,193,538); deleting any one gives the same sequence. VCF-style (leftmost placement, unchanged base first): chr2-29193533-CT-C. GRCh37 (hg19) VCF-style: chr2-29416399-CT-C.
Other names: c.1349del, p.Lys450fs (NM_001353765.2); short protein forms K1518fs, K450fs.
Identifiers: ClinVar variation 1420590 (VCV001420590.6), dbSNP rs2148137946, ClinGen allele CA2573134631.